The following is an entry in ClinVar:

ClinVar aggregate classification (germline): Uncertain significance. Review status: criteria provided, multiple submitters, no conflicts (2 of 4 stars). 2 submissions from 2 submitters: Uncertain significance (2). Last evaluated 2025-12-22.

Allele frequency attached by ClinVar (database versions not stated): gnomAD 0.00019 and 0.00020; TOPMed 0.00022; 1000 Genomes Project 30x 0.00031; gnomAD exomes 0.00032; 1000 Genomes Project 0.00040.

Submissions (2):

Labcorp Genetics (formerly Invitae), Labcorp
Classification: Uncertain significance. Last evaluated: 2025-12-22. Review status: criteria provided, single submitter. Criteria: Invitae Variant Classification Sherloc (09022015). Collection method: clinical testing. Allele origin: germline.
Comment: This variant occurs in a non-coding region of the GH1 gene. It does not change the encoded amino acid sequence of the GH1 protein. This variant is present in population databases (rs71651677, gnomAD 0.02%). This variant has been observed in individual(s) with growth hormone deficiency but other rare variant(s) have also been observed on the same chromosome (PMID: 27252485). Algorithms developed to predict the effect of variants on gene product structure and function are not available or were not evaluated for this variant. Experimental studies are conflicting or provide insufficient evidence to determine the effect of this variant on GH1 function (PMID: 27252485). In summary, the available evidence is currently insufficient to determine the role of this variant in disease. Therefore, it has been classified as a Variant of Uncertain Significance.

GeneDx
Classification: Uncertain significance. Last evaluated: 2025-07-01. Review status: criteria provided, single submitter. Criteria: GeneDx Variant Classification Process June 2021. Collection method: clinical testing. Allele origin: germline. Affected: yes.
Comment: In silico analysis is inconclusive as to whether the variant alters gene splicing. In the absence of RNA/functional studies, the actual effect of this sequence change is unknown.; This variant is associated with the following publications: (PMID: 28910730)

Literature cited by the submitters: PubMed 27252485 (cited by Labcorp Genetics (formerly Invitae), Labcorp).

NC_000017.11:g.63918961A>G

Genes: GH-LCR (growth hormone locus control region; plus strand), GH1 (growth hormone 1; minus strand). Cytogenetic location: 17q23.3.
Variant type: single nucleotide variant.
Genome position: GRCh38 VCF-style: chr17-63918961-A-G. GRCh37 (hg19) VCF-style: chr17-61996321-A-G.
Identifiers: ClinVar variation 1202529 (VCV001202529.13), dbSNP rs71651677, ClinGen allele CA292967549.